The following is an entry in ClinVar:

NM_181688.3(KRTAP10-10):c.423A>C (p.Pro141=)

Genes: KRTAP10-10 (keratin associated protein 10-10; plus strand), TSPEAR (thrombospondin type laminin G domain and EAR repeats; minus strand). Cytogenetic location: 21q22.3.
Variant type: single nucleotide variant.
Coding change: c.423A>C on transcript NM_181688.3 (MANE Select); coding-DNA position 423, A replaced by C.
Protein change: p.Pro141=; no amino-acid change (proline 141 retained).
Molecular consequence: synonymous variant. On other transcripts: intron variant (2).
Genome position (GRCh38, 1-based): chr21:44,637,840, A>C. VCF-style: chr21-44637840-A-C. GRCh37 (hg19) VCF-style: chr21-46057757-A-C.
Other names: c.83-69835T>G (NM_144991.3); c.-123+52705T>G (NM_001272037.2).
Identifiers: ClinVar variation 5038779 (VCV005038779.1).

ClinVar aggregate classification (germline): Likely benign (1 of 4 stars; one submission).

Submission:

CeGaT Center for Human Genetics Tuebingen
Classification: Likely benign. Last evaluated: 2026-08-01. Review status: criteria provided, single submitter. Criteria: CeGaT Center For Human Genetics Tuebingen Variant Classification Criteria Version 2. Collection method: clinical testing. Allele origin: germline. Affected: yes. Observed: 1 variant allele.
Comment: KRTAP10-10: BP4, BP7